The following is an entry in ClinVar:

NM_006767.4(LZTR1):c.1786-18_1786-5dup

Gene: LZTR1 (leucine zipper like post translational regulator 1; plus strand). Cytogenetic location: 22q11.21.
Variant type: Duplication.
Coding change: c.1786-18_1786-5dup on transcript NM_006767.4 (MANE Select); 18 bases into the intron before coding-DNA position 1786 through 5 bases into the intron before coding-DNA position 1786, 14 bases duplicated (TGTGCCTGTCTGCC).
Molecular consequence: intron variant.
Genome position (GRCh38, 1-based): chr22:20,994,852-20,994,865, TGTGCCTGTCTGCC duplicated; duplicating any 14 consecutive bases within chr22:20,994,847-20,994,865 gives the same sequence; the c. name uses the placement nearest the transcript's 3' end. VCF-style (leftmost placement, unchanged base first): chr22-20994846-C-CCTGCCTGTGCCTGT. GRCh37 (hg19) VCF-style: chr22-21349135-C-CCTGCCTGTGCCTGT.
Identifiers: ClinVar variation 4804141 (VCV004804141.1).

ClinVar aggregate classification (germline): Uncertain significance (1 of 4 stars; one submission).

Submission:

Labcorp Genetics (formerly Invitae), Labcorp
Classification: Uncertain significance. Last evaluated: 2025-03-23. Review status: criteria provided, single submitter. Criteria: Invitae Variant Classification Sherloc (09022015). Collection method: clinical testing. Allele origin: germline.
Comment: This sequence change falls in intron 15 of the LZTR1 gene. It does not directly change the encoded amino acid sequence of the LZTR1 protein. This variant is not present in population databases (gnomAD no frequency). This variant has not been reported in the literature in individuals affected with LZTR1-related conditions. Experimental studies and prediction algorithms are not available or were not evaluated, and the effect of this variant on mRNA splicing is currently unknown. In summary, the available evidence is currently insufficient to determine the role of this variant in disease. Therefore, it has been classified as a Variant of Uncertain Significance.